The following is an entry in ClinVar:

NM_032581.4(HYCC1):c.639del (p.Cys213fs)

Gene: HYCC1 (hyccin PI4KA lipid kinase complex subunit 1; minus strand). Cytogenetic location: 7p15.3.
Variant type: Deletion.
Coding change: c.639del on transcript NM_032581.4 (MANE Select); coding-DNA position 639, one base deleted (T; older notation c.639delT).
Protein change: p.Cys213fs; shifts the reading frame from cysteine 213.
Molecular consequence: frameshift variant.
Genome position (GRCh38, 1-based): chr7:22,964,519, A deleted on the plus strand (T on the coding strand, the reverse complement: HYCC1 is on the minus strand). VCF-style (leftmost placement, unchanged base first): chr7-22964518-CA-C. GRCh37 (hg19) VCF-style: chr7-23004137-CA-C.
Other names: c.639del, p.Cys213fs (NM_001363466.2, NM_001363467.2); short protein forms C213fs.
Identifiers: ClinVar variation 2501025 (VCV002501025.2), dbSNP rs1784456196, ClinGen allele CA1099312350.

ClinVar aggregate classification (germline): Pathogenic/Likely pathogenic. Review status: criteria provided, multiple submitters, no conflicts (2 of 4 stars). 2 submissions from 2 submitters: Pathogenic (1); Likely pathogenic (1). Last evaluated 2025-02-02.

Conditions:
Hypomyelination and Congenital Cataract (HLD5). Also called: hypomyelinating leukodystrophy 5. Identifiers: Orphanet 85163, MedGen C1864663, MONDO:0012514, OMIM 610532.

Allele frequency attached by ClinVar (database versions not stated): gnomAD exomes below 0.00001; TOPMed below 0.00001; gnomAD 0.00001.

Submissions (2):

Labcorp Genetics (formerly Invitae), Labcorp
Classification: Pathogenic for Hypomyelination and Congenital Cataract. Last evaluated: 2025-02-02. Review status: criteria provided, single submitter. Criteria: Invitae Variant Classification Sherloc (09022015). Collection method: clinical testing. Allele origin: germline.
Comment: This sequence change creates a premature translational stop signal (p.Cys213Trpfs*8) in the FAM126A gene. It is expected to result in an absent or disrupted protein product. Loss-of-function variants in FAM126A are known to be pathogenic (PMID: 21911699, 22749724, 23998934). This variant is not present in population databases (gnomAD no frequency). This variant has not been reported in the literature in individuals affected with FAM126A-related conditions. ClinVar contains an entry for this variant (Variation ID: 2501025). For these reasons, this variant has been classified as Pathogenic.

Women's Health and Genetics/Laboratory Corporation of America, LabCorp
Classification: Likely pathogenic for Hypomyelination and Congenital Cataract. Last evaluated: 2023-02-01. Review status: criteria provided, single submitter. Criteria: LabCorp Variant Classification Summary - May 2015. Collection method: clinical testing. Allele origin: germline.
Comment: Variant summary: FAM126A/HYCC1 c.639delT (p.Cys213TrpfsX8) results in a premature termination codon, predicted to cause a truncation of the encoded protein or absence of the protein due to nonsense mediated decay, which are commonly known mechanisms for disease. Truncations downstream of this position have been cited as pathogenic and disease-associated in ClinVar and HGMD. The variant was absent in 250258 control chromosomes. To our knowledge, no occurrence of c.639delT in individuals affected with Hypomyelination And Congenital Cataract and no experimental evidence demonstrating its impact on protein function have been reported. No clinical diagnostic laboratories have submitted clinical-significance assessments for this variant to ClinVar after 2014. Based on the evidence outlined above, the variant was classified as likely pathogenic.

Literature cited by the submitters: PubMed 21911699 (cited by Labcorp Genetics (formerly Invitae), Labcorp); PubMed 22749724 (cited by Labcorp Genetics (formerly Invitae), Labcorp); PubMed 23998934 (cited by Labcorp Genetics (formerly Invitae), Labcorp).